The following is an entry in ClinVar:

ClinVar aggregate classification (germline): Conflicting classifications of pathogenicity. Review status: criteria provided, conflicting classifications (1 of 4 stars). 3 submissions from 3 submitters: Uncertain significance (2); Likely benign (1). Last evaluated 2024-06-20.

Conditions:
Tumor predisposition syndrome 3 (TPDS3). Also called: Glioma susceptibility 9; LONG TELOMERE SYNDROME, POT1-RELATED; POT1 Tumor Predisposition; Melanoma, cutaneous malignant, susceptibility to, 10. Identifiers: Orphanet 618, MedGen C4014476, MONDO:0014368, OMIM 615848.
Hereditary cancer-predisposing syndrome. Also called: Hereditary neoplastic syndrome; Hereditary Cancer Syndrome; Neoplastic Syndromes, Hereditary; Tumor predisposition. Identifiers: Orphanet 140162, MedGen C0027672, MeSH D009386, MONDO:0015356.

Allele frequency attached by ClinVar (database versions not stated): gnomAD exomes below 0.00001; ExAC 0.00001; TOPMed 0.00001; ESP Exome Variant Server 0.00008.
gnomAD v4.1: 3 of 1,451,040 alleles (0.00021%); highest among the groups gnomAD compares: Non-Finnish European, 0.00029%; no homozygotes.

Submissions (3):

Labcorp Genetics (formerly Invitae), Labcorp
Classification: Uncertain significance for Tumor predisposition syndrome 3. Last evaluated: 2024-06-20. Review status: criteria provided, single submitter. Criteria: Invitae Variant Classification Sherloc (09022015). Collection method: clinical testing. Allele origin: germline.
Comment: This sequence change falls in intron 5 of the POT1 gene. It does not directly change the encoded amino acid sequence of the POT1 protein. It affects a nucleotide within the consensus splice site. The frequency data for this variant in the population databases is considered unreliable, as metrics indicate poor data quality at this position in the gnomAD database. This variant has not been reported in the literature in individuals affected with POT1-related conditions. ClinVar contains an entry for this variant (Variation ID: 475111). Variants that disrupt the consensus splice site are a relatively common cause of aberrant splicing (PMID: 17576681, 9536098). RNA analysis performed to evaluate the impact of this variant on mRNA splicing indicates it does not significantly alter splicing (Invitae). In summary, the available evidence is currently insufficient to determine the role of this variant in disease. Therefore, it has been classified as a Variant of Uncertain Significance.

GeneDx
Classification: Uncertain significance. Last evaluated: 2023-11-29. Review status: criteria provided, single submitter. Criteria: GeneDx Variant Classification Process June 2021. Collection method: clinical testing. Allele origin: germline. Affected: yes.
Comment: Not observed at significant frequency in large population cohorts (gnomAD); In silico analysis is inconclusive as to whether the variant alters gene splicing. In the absence of RNA/functional studies, the actual effect of this sequence change is unknown; Has not been previously published as pathogenic or benign to our knowledge

Ambry Genetics
Classification: Likely benign for Hereditary cancer-predisposing syndrome. Last evaluated: 2020-01-07. Review status: criteria provided, single submitter. Criteria: Ambry Variant Classification Scheme 2023. Collection method: clinical testing. Allele origin: germline.

Literature cited by the submitters: PubMed 17576681 (cited by Labcorp Genetics (formerly Invitae), Labcorp); PubMed 9536098 (cited by Labcorp Genetics (formerly Invitae), Labcorp).

NM_015450.3(POT1):c.9+3A>G

Gene: POT1 (protection of telomeres 1; minus strand). Cytogenetic location: 7q31.33.
Variant type: single nucleotide variant.
Coding change: c.9+3A>G on transcript NM_015450.3 (MANE Select); 3 bases into the intron after coding-DNA position 9, A replaced by G.
Molecular consequence: intron variant.
Genome position (GRCh38, 1-based): chr7:124,897,162, T>C on the plus strand (A>G on the coding strand, the complement: POT1 is on the minus strand). VCF-style: chr7-124897162-T-C. GRCh37 (hg19) VCF-style: chr7-124537216-T-C.
Other names: c.-254+3A>G (NM_001042594.2).
Identifiers: ClinVar variation 475111 (VCV000475111.15), dbSNP rs372320290, ClinGen allele CA4465543.
Genomic context (GRCh38, chr7:124,897,162, plus strand): 5'-CTATGTGTGTGGCATATACAGGTATAGGTGTAATACTCTAAATTAAACTGAATATCATCT[T>C]ACCAAAGACATTGATTCTGTAGAAAAATCTCTTAAAGATTTGACATAAACCTGAAGGAAA-3'